The following is an entry in ClinVar:

NM_003482.4(KMT2D):c.7479del (p.Phe2494fs)

Gene: KMT2D (lysine methyltransferase 2D; minus strand). Cytogenetic location: 12q13.12.
Variant type: Deletion.
Coding change: c.7479del on transcript NM_003482.4 (MANE Select); coding-DNA position 7479, one base deleted (G; older notation c.7479delG).
Protein change: p.Phe2494fs; shifts the reading frame from phenylalanine 2494.
Molecular consequence: frameshift variant.
Genome position (GRCh38, 1-based): chr12:49,040,291, C deleted on the plus strand (G on the coding strand, the reverse complement: KMT2D is on the minus strand); the first of 6 consecutive C bases (chr12:49,040,291-49,040,296); deleting any one gives the same sequence. VCF-style (leftmost placement, unchanged base first): chr12-49040290-AC-A. GRCh37 (hg19) VCF-style: chr12-49434073-AC-A.
Other names: c.7474delG, p.Phe2494Serfs (NM_003482.3); c.7479delG (NM_003482.4); short protein forms F2494fs.
Identifiers: ClinVar variation 1712763 (VCV001712763.4), dbSNP rs1555192051, ClinGen allele CA645579684.

ClinVar aggregate classification (germline): Pathogenic (1 of 4 stars; one submission).
ClinVar aggregate classification (oncogenicity): Likely oncogenic (1 of 4 stars; one submission).

Conditions:
Neoplasm. Also called: tumor; Neoplasms; Neoplasm (disease). Identifiers: MedGen C0027651, MeSH D009369, MONDO:0005070, HP:0002664.

Submissions (2):

Center for Genomic Medicine, Rigshospitalet, Copenhagen University Hospital
Classification: Likely oncogenic for Neoplasm. Last evaluated: 2025-03-04. Review status: criteria provided, single submitter. Criteria: ClinGen/CGC/VICC Guidelines for Oncogenicity, 2022. Collection method: clinical testing. Allele origin: somatic. Affected: yes.

GeneDx
Classification: Pathogenic. Last evaluated: 2023-11-03. Review status: criteria provided, single submitter. Criteria: GeneDx Variant Classification Process June 2021. Collection method: clinical testing. Allele origin: germline.
Comment: Frameshift variant predicted to result in protein truncation or nonsense mediated decay in a gene for which loss of function is a known mechanism of disease; Not observed at significant frequency in large population cohorts (gnomAD); This variant is associated with the following publications: (PMID: 23320472)

Literature cited by the submitters: PubMed 26366712 (cited by Center for Genomic Medicine, Rigshospitalet, Copenhagen University Hospital).